The following is an entry in ClinVar:

NM_002225.5(IVD):c.685_687+15del

Gene: IVD (isovaleryl-CoA dehydrogenase; plus strand). Cytogenetic location: 15q15.1.
Variant type: Deletion.
Coding change: c.685_687+15del on transcript NM_002225.5 (MANE Select); coding-DNA position 685 through 15 bases into the intron after coding-DNA position 687, 18 bases deleted (AAGGTGAGTATAGGTGGG).
Molecular consequence: splice donor variant.
Genome position (GRCh38, 1-based): chr15:40,411,689-40,411,706, AAGGTGAGTATAGGTGGG deleted; deleting any 18 consecutive bases within chr15:40,411,688-40,411,706 gives the same sequence; the c. name uses the placement nearest the transcript's 3' end. VCF-style (leftmost placement, unchanged base first): chr15-40411687-AGAAGGTGAGTATAGGTGG-A. GRCh37 (hg19) VCF-style: chr15-40703886-AGAAGGTGAGTATAGGTGG-A.
Other names: c.772_774+15del (NM_001354600.3, NM_001354599.3); c.685_687+15del (NM_001354598.3, NM_001354601.3); c.637_639+15del (NM_001354597.3); c.595_597+15del (NM_001159508.3); c.694_696+15del (NM_002225.3).
Identifiers: ClinVar variation 1473937 (VCV001473937.7), dbSNP rs2141332016, ClinGen allele CA2573150692.

ClinVar aggregate classification (germline): Likely pathogenic. Review status: criteria provided, multiple submitters, no conflicts (2 of 4 stars). 2 submissions from 2 submitters: Likely pathogenic (2). Last evaluated 2025-08-07.

Conditions:
Isovaleryl-CoA dehydrogenase deficiency (IVA). Also called: Isovaleric acidemia; Classic Isovaleric Acidemia; ISOVALERIC ACID CoA DEHYDROGENASE DEFICIENCY; IVD DEFICIENCY. Identifiers: Orphanet 33, MedGen C0268575, MONDO:0009475, OMIM 243500.

Submissions (2):

Natera, Inc.
Classification: Likely pathogenic for Isovaleryl-coa dehydrogenase deficiency. Last evaluated: 2025-08-07. Review status: criteria provided, single submitter. Criteria: Natera Variant Classification Schema (03/2026). Collection method: clinical testing. Allele origin: germline.
Comment: The c.694_696+15del variant in IVD is a deletion affecting a canonical splice donor site and part of an exon. This variant is expected to result in nonsense mediated decay, truncation, or a dysfunctional protein product. This variant is rare in the general population with a frequency below the threshold expected for the associated phenotype(s). Given the available evidence, this variant is classified as Likely Pathogenic.

Labcorp Genetics (formerly Invitae), Labcorp
Classification: Likely pathogenic for Isovaleryl-CoA dehydrogenase deficiency. Last evaluated: 2022-03-22. Review status: criteria provided, single submitter. Criteria: Invitae Variant Classification Sherloc (09022015). Collection method: clinical testing. Allele origin: germline.
Comment: This variant has not been reported in the literature in individuals affected with IVD-related conditions. Algorithms developed to predict the effect of sequence changes on RNA splicing suggest that this variant may disrupt the consensus splice site. In summary, the currently available evidence indicates that the variant is pathogenic, but additional data are needed to prove that conclusively. Therefore, this variant has been classified as Likely Pathogenic. This variant results in the deletion of part of exon 6 (c.694_696+15del) of the IVD gene. It is expected to disrupt RNA splicing. Variants that disrupt the donor or acceptor splice site typically lead to a loss of protein function (PMID: 16199547), and loss-of-function variants in IVD are known to be pathogenic (PMID: 16602101). This variant is not present in population databases (gnomAD no frequency).

Literature cited by the submitters: PubMed 16199547 (cited by Labcorp Genetics (formerly Invitae), Labcorp); PubMed 16602101 (cited by Labcorp Genetics (formerly Invitae), Labcorp).